The following is an entry in ClinVar:

NM_001034853.2(RPGR):c.934G>A (p.Asp312Asn)

Gene: RPGR (retinitis pigmentosa GTPase regulator; minus strand). Cytogenetic location: Xp11.4.
Variant type: single nucleotide variant.
Coding change: c.934G>A on transcript NM_001034853.2 (MANE Select); coding-DNA position 934, G replaced by A.
Protein change: p.Asp312Asn; replaces aspartic acid 312 with asparagine.
Molecular consequence: missense variant. On other transcripts: non-coding transcript variant (5).
Genome position (GRCh38, 1-based): chrX:38,304,635, C>T on the plus strand (G>A on the coding strand, the complement: RPGR is on the minus strand). VCF-style: chrX-38304635-C-T. GRCh37 (hg19) VCF-style: chrX-38163888-C-T.
Other names: NM_001034853.2(RPGR):c.934G>A; p.Asp312Asn; c.934G>A, p.Asp312Asn (NM_000328.3, NM_001367246.1, NM_001367247.1 and 1 more transcripts); c.931G>A, p.Asp311Asn (NM_001367245.1, NM_001367249.1, NM_001367250.1); c.964G>A, p.Asp322Asn (NM_001367248.1); short protein forms D311N, D312N, D322N.
Identifiers: ClinVar variation 2430153 (VCV002430153.3), dbSNP rs2519846634, ClinGen allele CA412741117.
Genomic context (GRCh38, chrX:38,304,635, plus strand): 5'-TTATTTTGTAATAAAATATACCCAGTTCTATAAATATATAACAGAAATTCTAATCCATAC[C>T]TGTTATCAAAGCTGTGTGATTTTCTCCACAAGAAATATAACTTATTGTTTGATCCCTAAT-3'
Protein context (NP_001030025.1, residues 302-322): CGENHTALIT[Asp312Asn]IGLMYTFGDG

ClinVar aggregate classification (germline): Uncertain significance. Review status: reviewed by expert panel (3 of 4 stars). 3 submissions from 3 submitters: Uncertain significance (1). 2 of the submissions do not count toward it. Last evaluated 2025-07-31.

Conditions:
X-linked cone-rod dystrophy. Identifiers: MedGen CN323387, MONDO:0021155.
RPGR-related retinopathy. Also called: RPGR retinopathy. Identifiers: MedGen CN305589, MONDO:0100437.
RPGR-related disorder. Also called: RPGR-related condition.

Submissions (3):

ClinGen X-linked Inherited Retinal Disease Variant Curation Expert Panel, ClinGen
Classification: Uncertain significance for RPGR-related retinopathy. Last evaluated: 2025-07-31. Review status: reviewed by expert panel. Criteria: ClinGen X LinkedIRD ACMG Specifications RPGR V1.0.0. Collection method: curation. Allele origin: germline. Inheritance: X-linked inheritance.
Comment: NM_001034853.2(RPGR):c.934G>A (p.Asp312Asn) is a missense variant located in the final nucleotide of exon 8, and encodes the substitution of aspartic acid with asparagine at amino acid 312. The splicing impact predictor SpliceAI gives a score of 0.97 for donor loss, which is above the ClinGen X-linked IRD VCEP recommended threshold of ≥0.2 and predicts a damaging impact on splicing (PP3). This variant is outside the +/- 1,2 dinucleotide and meets the PP3 code due to predicted splicing disruption and another predicted splicing variant in the same donor site, NM_001034853.2(RPGR):c.934+1G>T (PMID: 14564670), was previously classified as a pathogenic variant for RPGR-related retinopathy by ClinGen X-linked IRD VCEP (PS1_moderate). This variant is absent from hemizygous individuals in gnomAD v4.1.0 (PM2_Supporting). This variant has been reported in at least 1 affected proband (PMID: 14564670), however, the number of individuals meeting the PS4 requirement of some functional vision impairment in affected males by age 30 years, with decreased or absent cone and/or rod electroretinogram responses, was fewer than the requirement of 2 unrelated probands, so PS4_Supporting was not met. In summary, this variant is classified as variant of uncertain significance for RPGR-related retinopathy based on the ClinGen X-linked Inherited Retinal Disease Expert Panel Specifications to the ACMG/AMP Variant Interpretation Guidelines for RPGR Version 1.0.0: PS1_Moderate, PP3, and PM2_Supporting. (date of approval 05/16/2025).

Blueprint Genetics
Classification: Likely pathogenic for RPGR-related disorders. Last evaluated: 2023-03-14. Review status: criteria provided, single submitter. Criteria: ACMG Guidelines, 2015. Collection method: clinical testing. Allele origin: germline. Affected: yes. Observed: 4 variant alleles. Not counted in ClinVar's aggregate classification.

Genetic Eye Disease Investigation Unit, University of Auckland
Classification: Pathogenic for X-LINKED ROD CONE DYSTROPHY. Last evaluated: 2023-01-03. Review status: no assertion criteria provided. Collection method: clinical testing. Allele origin: maternal. Affected: yes. Observed: 3 variant alleles. Clinical features observed: Rod-cone dystrophy (HP:0000510). Not counted in ClinVar's aggregate classification.